The following is an entry in ClinVar:

NM_000053.4(ATP7B):c.4271A>G (p.Tyr1424Cys)

Gene: ATP7B (ATPase copper transporting beta; minus strand). Cytogenetic location: 13q14.3.
Variant type: single nucleotide variant.
Coding change: c.4271A>G on transcript NM_000053.4 (MANE Select); coding-DNA position 4271, A replaced by G.
Protein change: p.Tyr1424Cys; replaces tyrosine 1424 with cysteine.
Molecular consequence: missense variant.
Genome position (GRCh38, 1-based): chr13:51,934,883, T>C on the plus strand (A>G on the coding strand, the complement: ATP7B is on the minus strand). VCF-style: chr13-51934883-T-C. GRCh37 (hg19) VCF-style: chr13-52509019-T-C.
Other names: c.3650A>G, p.Tyr1217Cys (NM_001005918.3); c.3938A>G, p.Tyr1313Cys (NM_001243182.2); c.4037A>G, p.Tyr1346Cys (NM_001330578.2); c.4019A>G, p.Tyr1340Cys (NM_001330579.2); short protein forms Y1340C, Y1313C, Y1346C, Y1424C, Y1217C.
Identifiers: ClinVar variation 972771 (VCV000972771.10), dbSNP rs372435824, ClinGen allele CA6988441.

ClinVar aggregate classification (germline): Uncertain significance. Review status: criteria provided, multiple submitters, no conflicts (2 of 4 stars). 5 submissions from 5 submitters: Uncertain significance (5). Last evaluated 2024-03-06.

Conditions:
Wilson disease (WND). Also called: Wilson's disease. Identifiers: Orphanet 905, MedGen C0019202, MONDO:0010200, OMIM 277900. Disease mechanism: loss of function.

Allele frequency attached by ClinVar (database versions not stated): ExAC 0.00002; gnomAD exomes 0.00002; gnomAD 0.00005 and 0.00006; ESP Exome Variant Server 0.00008; TOPMed 0.00009.
gnomAD v4.1: 43 of 1,614,082 alleles (0.0027%); highest among the groups gnomAD compares: African/African-American, 0.016%; no homozygotes.

Submissions (5):

Color Diagnostics, LLC DBA Color Health
Classification: Uncertain significance for Wilson disease. Last evaluated: 2024-03-06. Review status: criteria provided, single submitter. Criteria: ACMG Guidelines, 2015. Collection method: clinical testing. Allele origin: germline.
Comment: This missense variant replaces tyrosine with cysteine at codon 1424 of the ATP7B protein. Computational prediction suggests that this variant may not impact protein structure and function. To our knowledge, functional studies have not been reported for this variant. This variant has not been reported in individuals affected with Wilson disease in the literature. This variant has been identified in 6/280720 chromosomes in the general population by the Genome Aggregation Database (gnomAD). The available evidence is insufficient to determine the role of this variant in disease conclusively. Therefore, this variant is classified as a Variant of Uncertain Significance.

All of Us Research Program, National Institutes of Health
Classification: Uncertain significance for Wilson disease. Last evaluated: 2024-01-11. Review status: criteria provided, single submitter. Criteria: ACMG Guidelines, 2015. Collection method: clinical testing. Allele origin: germline. Inheritance: Autosomal recessive inheritance. Observed: 5 variant alleles, 5 heterozygotes.
Comment: This missense variant replaces tyrosine with cysteine at codon 1424 of the ATP7B protein. Computational prediction suggests that this variant may not impact protein structure and function (internally defined REVEL score threshold <= 0.5, PMID: 27666373). To our knowledge, functional studies have not been reported for this variant. This variant has not been reported in individuals affected with Wilson disease in the literature. This variant has been identified in 6/280720 chromosomes in the general population by the Genome Aggregation Database (gnomAD). The available evidence is insufficient to determine the role of this variant in disease conclusively. Therefore, this variant is classified as a Variant of Uncertain Significance.

This study involves interpretation of variants in research participants for the purpose of population health screening. Participant phenotype was not available at the time of variant classification. Additional details can be found in publication PMID: 35346344, PMCID: PMC8962531

Labcorp Genetics (formerly Invitae), Labcorp
Classification: Uncertain significance for Wilson disease. Last evaluated: 2022-08-03. Review status: criteria provided, single submitter. Criteria: Invitae Variant Classification Sherloc (09022015). Collection method: clinical testing. Allele origin: germline.
Comment: This sequence change replaces tyrosine, which is neutral and polar, with cysteine, which is neutral and slightly polar, at codon 1424 of the ATP7B protein (p.Tyr1424Cys). This variant is present in population databases (rs372435824, gnomAD 0.02%). This variant has not been reported in the literature in individuals affected with ATP7B-related conditions. ClinVar contains an entry for this variant (Variation ID: 972771). Advanced modeling of protein sequence and biophysical properties (such as structural, functional, and spatial information, amino acid conservation, physicochemical variation, residue mobility, and thermodynamic stability) performed at Invitae indicates that this missense variant is not expected to disrupt ATP7B protein function. In summary, the available evidence is currently insufficient to determine the role of this variant in disease. Therefore, it has been classified as a Variant of Uncertain Significance.

Fulgent Genetics
Classification: Uncertain significance for Wilson disease. Last evaluated: 2021-11-17. Review status: criteria provided, single submitter. Criteria: ACMG Guidelines, 2015. Collection method: clinical testing. Allele origin: unknown.

Broad Center for Mendelian Genomics, Broad Institute of MIT and Harvard
Classification: Uncertain significance. Last evaluated: 2020-01-22. Review status: criteria provided, single submitter. Criteria: ACMG Guidelines, 2015. Collection method: curation. Allele origin: germline.
Comment: The p.Tyr1424Cys variant in ATP7B has not been previously reported in individuals with Wilson Disease but has been identified in 0.01650% (4/24238) of African chromosomes and 0.001557% (2/128452) of European (non-Finnish) chromosomes by the Genome Aggregation Database (gnomAD; dbSNP rs372435824). Although this variant has been seen in the general population, its frequency is not high enough to rule out a pathogenic role. Computational prediction tools and conservation analyses do not provide strong support for or against an impact to the protein. In summary, the clinical significance of the p.Tyr1424Cys variant is uncertain. ACMG/AMP Criteria applied: None (Richards 2015).